The following is an entry in ClinVar:

ClinVar aggregate classification (germline): Uncertain significance (1 of 4 stars; one submission).

Submission:

Mayo Clinic Laboratories, Mayo Clinic
Classification: Uncertain significance. Last evaluated: 2024-05-23. Review status: criteria provided, single submitter. Criteria: ACMG Guidelines, 2015. Collection method: clinical testing. Allele origin: germline. Observed: 1 variant allele.
Comment: PM2

NM_001365276.2(TNXB):c.11527A>G (p.Thr3843Ala)

Genes: TNXB (tenascin XB; minus strand), LOC106780803 (tenascin XB recombination region; plus strand). Cytogenetic location: 6p21.33.
Variant type: single nucleotide variant.
Coding change: c.11527A>G on transcript NM_001365276.2 (MANE Select); coding-DNA position 11527, A replaced by G.
Protein change: p.Thr3843Ala; replaces threonine 3843 with alanine.
Molecular consequence: missense variant.
Genome position (GRCh38, 1-based): chr6:32,043,752, T>C on the plus strand (A>G on the coding strand, the complement: TNXB is on the minus strand). VCF-style: chr6-32043752-T-C. GRCh37 (hg19) VCF-style: chr6-32011529-T-C.
Other names: p.Thr3841Ala; c.12268A>G, p.Thr4090Ala (NM_001428335.1); c.11521A>G, p.Thr3841Ala (NM_019105.8); c.814A>G, p.Thr272Ala (NM_032470.4); short protein forms T272A, T3841A, T3843A, T4090A.
Identifiers: ClinVar variation 3379660 (VCV003379660.1).